The following is an entry in ClinVar:

ClinVar aggregate classification (germline): Likely benign (1 of 4 stars; one submission).

Allele frequency attached by ClinVar (database versions not stated): ESP Exome Variant Server 0.00015; gnomAD 0.00034; TOPMed 0.00045; gnomAD exomes 0.00047; ExAC 0.00055; 1000 Genomes Project 30x 0.00078; 1000 Genomes Project 0.00080.
gnomAD v4.1: 727 of 1,614,158 alleles (0.045%); highest among the groups gnomAD compares: South Asian, 0.31%; 5 homozygotes.

Submission:

CeGaT Center for Human Genetics Tuebingen
Classification: Likely benign. Last evaluated: 2023-02-01. Review status: criteria provided, single submitter. Criteria: CeGaT Center For Human Genetics Tuebingen Variant Classification Criteria Version 2. Collection method: clinical testing. Allele origin: germline. Affected: yes. Observed: 1 variant allele.
Comment: SIK3: BP4, BS2

NM_001366686.3(SIK3):c.2515G>A (p.Val839Met)

Gene: SIK3 (SIK family kinase 3; minus strand). Cytogenetic location: 11q23.3.
Variant type: single nucleotide variant.
Coding change: c.2515G>A on transcript NM_001366686.3 (MANE Select); coding-DNA position 2515, G replaced by A.
Protein change: p.Val839Met; replaces valine 839 with methionine.
Molecular consequence: missense variant.
Genome position (GRCh38, 1-based): chr11:116,859,515, C>T on the plus strand (G>A on the coding strand, the complement: SIK3 is on the minus strand). VCF-style: chr11-116859515-C-T. GRCh37 (hg19) VCF-style: chr11-116730231-C-T.
Other names: c.1894G>A, p.Val632Met (NM_001281748.3); c.2371G>A, p.Val791Met (NM_001281749.3, NM_025164.6); short protein forms V632M, V791M, V839M.
Identifiers: ClinVar variation 2642401 (VCV002642401.24), dbSNP rs190422062, ClinGen allele CA6290374.